The following is an entry in ClinVar:

NM_000540.3(RYR1):c.6722G>T (p.Arg2241Leu)

Gene: RYR1 (ryanodine receptor 1; plus strand). Cytogenetic location: 19q13.2.
Variant type: single nucleotide variant.
Coding change: c.6722G>T on transcript NM_000540.3 (MANE Select); coding-DNA position 6722, G replaced by T.
Protein change: p.Arg2241Leu; replaces arginine 2241 with leucine.
Molecular consequence: missense variant.
Genome position (GRCh38, 1-based): chr19:38,496,467, G>T. VCF-style: chr19-38496467-G-T. GRCh37 (hg19) VCF-style: chr19-38987107-G-T.
Other names: c.6722G>T, p.Arg2241Leu (NM_001042723.2); short protein forms R2241L.
Identifiers: ClinVar variation 3074841 (VCV003074841.2), dbSNP rs773947484, ClinGen allele CA068600.

ClinVar aggregate classification (germline): Uncertain significance. Review status: criteria provided, multiple submitters, no conflicts (2 of 4 stars). 2 submissions from 2 submitters: Uncertain significance (2). Last evaluated 2025-12-10.

Conditions:
Malignant hyperthermia, susceptibility to, 1 (MHS1). Also called: Anesthesia related hyperthermia; Malignant hyperpyrexia; Fulminating hyperpyrexia; Pharmacogenic myopathy; RYR1-Related Malignant Hyperthermia Susceptibility; Malignant hyperthermia suceptibility 1. Identifiers: Orphanet 423, MedGen C2930980, MONDO:0007783, OMIM 145600.
Inborn genetic diseases. Identifiers: MedGen C0950123, MeSH D030342.

gnomAD v4.1: 2 of 1,613,688 alleles (0.00012%); highest among the groups gnomAD compares: East Asian, 0.0022%; no homozygotes.

Submissions (2):

Ambry Genetics
Classification: Uncertain significance for Inborn genetic diseases. Last evaluated: 2025-12-10. Review status: criteria provided, single submitter. Criteria: Ambry Variant Classification Scheme 2023. Collection method: clinical testing. Allele origin: germline.

All of Us Research Program, National Institutes of Health
Classification: Uncertain significance for Malignant hyperthermia, susceptibility to, 1. Last evaluated: 2023-12-13. Review status: criteria provided, single submitter. Criteria: ACMG Guidelines, 2015. Collection method: clinical testing. Allele origin: germline. Inheritance: Autosomal dominant inheritance. Observed: 2 variant alleles, 2 heterozygotes.
Comment: This missense variant replaces arginine with leucine at codon 2241 of the RYR1 protein. Computational prediction suggests that this variant may have deleterious impact on protein structure and function (internally defined REVEL score threshold >= 0.7, PMID: 27666373). To our knowledge, functional studies have not been reported for this variant. This variant has not been reported in individuals affected with RYR1-related disorders in the literature. This variant has been identified in 3/251128 chromosomes in the general population by the Genome Aggregation Database (gnomAD). The available evidence is insufficient to determine the role of this variant in disease conclusively. Therefore, this variant is classified as a Variant of Uncertain Significance.

This study involves interpretation of variants in research participants for the purpose of population health screening. Participant phenotype was not available at the time of variant classification. Additional details can be found in publication PMID: 35346344, PMCID: PMC8962531